The following is an entry in ClinVar:

ClinVar aggregate classification (germline): Benign. Review status: criteria provided, multiple submitters, no conflicts (2 of 4 stars). 4 submissions from 4 submitters: Benign (4). Last evaluated 2026-01-28.

Conditions:
Macular corneal dystrophy (MCD). Also called: GROENOUW TYPE II CORNEAL DYSTROPHY; Macular corneal dystrophy Type I. Identifiers: Orphanet 98969, MedGen C1636149, MONDO:0009020, OMIM 217800.

Allele frequency attached by ClinVar (database versions not stated): 1000 Genomes Project 0.00439; 1000 Genomes Project 30x 0.00453; TOPMed 0.00743; gnomAD exomes 0.00839 and 0.01239; gnomAD 0.00852 and 0.00857; ExAC 0.00856; ESP Exome Variant Server 0.00886.

Submissions (4):

Labcorp Genetics (formerly Invitae), Labcorp
Classification: Benign for Macular corneal dystrophy. Last evaluated: 2026-01-28. Review status: criteria provided, single submitter. Criteria: Invitae Variant Classification Sherloc (09022015). Collection method: clinical testing. Allele origin: germline.

CeGaT Center for Human Genetics Tuebingen
Classification: Benign. Last evaluated: 2025-01-01. Review status: criteria provided, single submitter. Criteria: CeGaT Center For Human Genetics Tuebingen Variant Classification Criteria Version 2. Collection method: clinical testing. Allele origin: germline. Affected: yes. Observed: 2 variant alleles.
Comment: CHST6: BP4, BP7, BS1, BS2

Illumina Laboratory Services, Illumina
Classification: Benign for Macular corneal dystrophy. Last evaluated: 2017-04-27. Review status: criteria provided, single submitter. Criteria: ICSL Variant Classification Criteria 13 December 2019. Collection method: clinical testing. Allele origin: germline.
Comment: This variant was observed as part of a predisposition screen in an ostensibly healthy population. A literature search was performed for the gene, cDNA change, and amino acid change (where applicable). Publications were found based on this search. The evidence from the literature, in combination with allele frequency data from public databases where available, was sufficient to rule this variant out of causing disease. Therefore, this variant is classified as benign.

Breakthrough Genomics
Classification: Benign. Review status: criteria provided, single submitter. Criteria: ACMG Guidelines, 2015. Collection method: not provided. Allele origin: germline. Inheritance: Autosomal recessive inheritance. Affected: yes.

Literature cited by the submitters: PubMed 17093400 (cited by Illumina Laboratory Services, Illumina).

NM_021615.5(CHST6):c.768C>T (p.Ala256=)

Gene: CHST6 (carbohydrate sulfotransferase 6; minus strand). Cytogenetic location: 16q23.1.
Variant type: single nucleotide variant.
Coding change: c.768C>T on transcript NM_021615.5 (MANE Select); coding-DNA position 768, C replaced by T.
Protein change: p.Ala256=; no amino-acid change (alanine 256 retained).
Molecular consequence: synonymous variant.
Genome position (GRCh38, 1-based): chr16:75,479,061, G>A on the plus strand (C>T on the coding strand, the complement: CHST6 is on the minus strand). VCF-style: chr16-75479061-G-A. GRCh37 (hg19) VCF-style: chr16-75512959-G-A.
Identifiers: ClinVar variation 778124 (VCV000778124.39), dbSNP rs146465655, ClinGen allele CA8175400.